The following is an entry in ClinVar:

NM_014762.4(DHCR24):c.718C>T (p.Leu240=)

Gene: DHCR24 (24-dehydrocholesterol reductase; minus strand). Cytogenetic location: 1p32.3.
Variant type: single nucleotide variant.
Coding change: c.718C>T on transcript NM_014762.4 (MANE Select); coding-DNA position 718, C replaced by T.
Protein change: p.Leu240=; no amino-acid change (leucine 240 retained).
Molecular consequence: synonymous variant.
Genome position (GRCh38, 1-based): chr1:54,871,508, G>A on the plus strand (C>T on the coding strand, the complement: DHCR24 is on the minus strand). VCF-style: chr1-54871508-G-A. GRCh37 (hg19) VCF-style: chr1-55337181-G-A.
Identifiers: ClinVar variation 877073 (VCV000877073.6), dbSNP rs191246223, ClinGen allele CA870745.

ClinVar aggregate classification (germline): Uncertain significance. Review status: criteria provided, single submitter (1 of 4 stars). 2 submissions from 2 submitters: Uncertain significance (1). 1 of the submissions does not count toward it. Last evaluated 2018-01-12.

Conditions:
DHCR24-related disorder. Also called: DHCR24-related condition.
Desmosterolosis. Identifiers: Orphanet 35107, MedGen C1865596, MONDO:0011217, OMIM 602398.

Allele frequency attached by ClinVar (database versions not stated): ExAC 0.00002; gnomAD 0.00002; gnomAD exomes 0.00002; TOPMed 0.00002; 1000 Genomes Project 30x 0.00047; 1000 Genomes Project 0.00060.
gnomAD v4.1: 31 of 1,614,222 alleles (0.0019%); highest among the groups gnomAD compares: East Asian, 0.069%; no homozygotes.

Submissions (2):

Illumina Laboratory Services, Illumina
Classification: Uncertain significance for Desmosterolosis. Last evaluated: 2018-01-12. Review status: criteria provided, single submitter. Criteria: ICSL Variant Classification Criteria 13 December 2019. Collection method: clinical testing. Allele origin: germline.

PreventionGenetics, part of Exact Sciences
Classification: Likely benign for DHCR24-related condition. Last evaluated: 2019-04-16. Review status: no assertion criteria provided. Collection method: clinical testing. Allele origin: germline. Not counted in ClinVar's aggregate classification.
Comment: This variant is classified as likely benign based on ACMG/AMP sequence variant interpretation guidelines (Richards et al. 2015 PMID: 25741868, with internal and published modifications).